The following is an entry in ClinVar:

NM_004655.4(AXIN2):c.1059+10G>A

Gene: AXIN2 (axin 2; minus strand). Cytogenetic location: 17q24.1.
Variant type: single nucleotide variant.
Coding change: c.1059+10G>A on transcript NM_004655.4 (MANE Select); 10 bases into the intron after coding-DNA position 1059, G replaced by A.
Molecular consequence: intron variant.
Genome position (GRCh38, 1-based): chr17:65,541,445, C>T on the plus strand (G>A on the coding strand, the complement: AXIN2 is on the minus strand). VCF-style: chr17-65541445-C-T. GRCh37 (hg19) VCF-style: chr17-63537563-C-T.
Other names: c.1059+10G>A (NM_001363813.1).
Identifiers: ClinVar variation 2881022 (VCV002881022.4), dbSNP rs2544195967, ClinGen allele CA2639405774.

ClinVar aggregate classification (germline): Likely benign. Review status: criteria provided, multiple submitters, no conflicts (2 of 4 stars). 2 submissions from 2 submitters: Likely benign (2). Last evaluated 2024-07-01.

Conditions:
Oligodontia-cancer predisposition syndrome. Also called: TOOTH AGENESIS-COLORECTAL CANCER SYNDROME. Identifiers: Orphanet 300576, MedGen C1837750, MONDO:0012075, OMIM 608615. Disease mechanism: loss of function.

Allele frequency attached by ClinVar (database versions not stated): gnomAD exomes below 0.00001.
gnomAD v4.1: 2 of 1,608,928 alleles (0.00012%); highest among the groups gnomAD compares: Non-Finnish European, 0.00017%; no homozygotes.

Submissions (2):

Myriad Genetics, Inc.
Classification: Likely benign for Oligodontia-cancer predisposition syndrome. Last evaluated: 2024-07-01. Review status: criteria provided, single submitter. Criteria: Myriad Autosomal Dominant, Autosomal Recessive and X-Linked Classification Criteria (2023). Collection method: clinical testing. Allele origin: unknown.
Comment: This variant is considered likely benign. This variant is intronic and is not expected to impact mRNA splicing.

Labcorp Genetics (formerly Invitae), Labcorp
Classification: Likely benign for Oligodontia-cancer predisposition syndrome. Last evaluated: 2024-06-09. Review status: criteria provided, single submitter. Criteria: Invitae Variant Classification Sherloc (09022015). Collection method: clinical testing. Allele origin: germline.